The following is an entry in ClinVar:

ClinVar aggregate classification (germline): Uncertain significance (1 of 4 stars; one submission).

Allele frequency attached by ClinVar (database versions not stated): gnomAD exomes 0.00001; ExAC 0.00002.
gnomAD v4.1: 4 of 1,614,046 alleles (0.00025%); highest among the groups gnomAD compares: Admixed American, 0.0067%; no homozygotes.

Submission:

Labcorp Genetics (formerly Invitae), Labcorp
Classification: Uncertain significance. Last evaluated: 2025-01-13. Review status: criteria provided, single submitter. Criteria: Invitae Variant Classification Sherloc (09022015). Collection method: clinical testing. Allele origin: germline.
Comment: This sequence change replaces asparagine, which is neutral and polar, with histidine, which is basic and polar, at codon 202 of the RFWD3 protein (p.Asn202His). This variant is present in population databases (rs773131455, gnomAD 0.009%). This variant has not been reported in the literature in individuals affected with RFWD3-related conditions. ClinVar contains an entry for this variant (Variation ID: 2777299). An algorithm developed to predict the effect of missense changes on protein structure and function (PolyPhen-2) suggests that this variant is likely to be disruptive. In summary, the available evidence is currently insufficient to determine the role of this variant in disease. Therefore, it has been classified as a Variant of Uncertain Significance.

NM_018124.4(RFWD3):c.604A>C (p.Asn202His)

Gene: RFWD3 (ring finger and WD repeat domain 3; minus strand). Cytogenetic location: 16q23.1.
Variant type: single nucleotide variant.
Coding change: c.604A>C on transcript NM_018124.4 (MANE Select); coding-DNA position 604, A replaced by C.
Protein change: p.Asn202His; replaces asparagine 202 with histidine.
Molecular consequence: missense variant. On other transcripts: 5 prime UTR variant (4), intron variant (1).
Genome position (GRCh38, 1-based): chr16:74,652,037, T>G on the plus strand (A>C on the coding strand, the complement: RFWD3 is on the minus strand). VCF-style: chr16-74652037-T-G. GRCh37 (hg19) VCF-style: chr16-74685935-T-G.
Other names: c.604A>C, p.Asn202His (NM_001370534.1, NM_001370535.1, NM_001370536.1); c.-405A>C (NM_001370537.1); c.-231A>C (NM_001370540.1); c.-282A>C (NM_001370542.1); c.-160A>C (NM_001370543.1); c.-113-2835A>C (NM_001370539.1); short protein forms N202H.
Identifiers: ClinVar variation 2777299 (VCV002777299.3), dbSNP rs773131455, ClinGen allele CA8169513.